The following is an entry in ClinVar:

ClinVar aggregate classification (germline): Uncertain significance. Review status: criteria provided, multiple submitters, no conflicts (2 of 4 stars). 4 submissions from 4 submitters: Uncertain significance (4). Last evaluated 2025-04-18.

Allele frequency attached by ClinVar (database versions not stated): ExAC 0.00003; gnomAD 0.00004 and 0.00005; gnomAD exomes 0.00004 and 0.00012; TOPMed 0.00005; ESP Exome Variant Server 0.00015.
gnomAD v4.1: 180 of 1,614,124 alleles (0.011%); highest among the groups gnomAD compares: Non-Finnish European, 0.015%; no homozygotes.

Submissions (4):

Labcorp Genetics (formerly Invitae), Labcorp
Classification: Uncertain significance. Last evaluated: 2025-04-18. Review status: criteria provided, single submitter. Criteria: Invitae Variant Classification Sherloc (09022015). Collection method: clinical testing. Allele origin: germline.
Comment: This sequence change replaces asparagine, which is neutral and polar, with serine, which is neutral and polar, at codon 177 of the AFG3L2 protein (p.Asn177Ser). This variant is present in population databases (rs371921200, gnomAD 0.009%). This variant has not been reported in the literature in individuals affected with AFG3L2-related conditions. ClinVar contains an entry for this variant (Variation ID: 446812). Invitae Evidence Modeling of protein sequence and biophysical properties (such as structural, functional, and spatial information, amino acid conservation, physicochemical variation, residue mobility, and thermodynamic stability) indicates that this missense variant is not expected to disrupt AFG3L2 protein function with a negative predictive value of 95%. In summary, the available evidence is currently insufficient to determine the role of this variant in disease. Therefore, it has been classified as a Variant of Uncertain Significance.

GeneDx
Classification: Uncertain significance. Last evaluated: 2025-04-15. Review status: criteria provided, single submitter. Criteria: GeneDx Variant Classification Process June 2021. Collection method: clinical testing. Allele origin: germline. Affected: yes.
Comment: Has not been previously published as pathogenic or benign to our knowledge; In silico analysis indicates that this missense variant does not alter protein structure/function

Mayo Clinic Laboratories, Mayo Clinic
Classification: Uncertain significance. Last evaluated: 2020-11-24. Review status: criteria provided, single submitter. Criteria: ACMG Guidelines, 2015. Collection method: clinical testing. Allele origin: germline. Observed: 1 variant allele.

Athena Diagnostics
Classification: Uncertain significance. Last evaluated: 2016-11-21. Review status: criteria provided, single submitter. Criteria: Athena Diagnostics Criteria. Collection method: clinical testing. Allele origin: germline.

NM_006796.3(AFG3L2):c.530A>G (p.Asn177Ser)

Gene: AFG3L2 (AFG3 like matrix AAA peptidase subunit 2; minus strand). Cytogenetic location: 18p11.21.
Variant type: single nucleotide variant.
Coding change: c.530A>G on transcript NM_006796.3 (MANE Select); coding-DNA position 530, A replaced by G.
Protein change: p.Asn177Ser; replaces asparagine 177 with serine.
Molecular consequence: missense variant.
Genome position (GRCh38, 1-based): chr18:12,366,987, T>C on the plus strand (A>G on the coding strand, the complement: AFG3L2 is on the minus strand). VCF-style: chr18-12366987-T-C. GRCh37 (hg19) VCF-style: chr18-12366986-T-C.
Other names: short protein forms N177S.
Identifiers: ClinVar variation 446812 (VCV000446812.9), dbSNP rs371921200, ClinGen allele CA8896724.
Genomic context (GRCh38, chr18:12,366,987, plus strand): 5'-TTGAACCACAACAGCCACCAATCCCATAAAATACTTACTACTCCTTTTGAAAGATAGTTA[T>C]TGACAAAGTCCTTCCAAGTGATTTCTCTCCCGGATCTCTTGAGCAGCAAGTAAAACATGA-3'
Protein context (NP_006787.2, residues 167-187): GREITWKDFV[Asn177Ser]NYLSKGVVDR